The following is an entry in ClinVar:

ClinVar aggregate classification (germline): Uncertain significance (1 of 4 stars; one submission).

Conditions:
Hereditary cancer-predisposing syndrome. Also called: Neoplastic Syndromes, Hereditary; Tumor predisposition; Hereditary neoplastic syndrome; Hereditary Cancer Syndrome. Identifiers: Orphanet 140162, MedGen C0027672, MeSH D009386, MONDO:0015356.

Allele frequency attached by ClinVar (database versions not stated): TOPMed below 0.00001.

Submission:

Ambry Genetics
Classification: Uncertain significance for Hereditary cancer-predisposing syndrome. Last evaluated: 2023-03-01. Review status: criteria provided, single submitter. Criteria: Ambry Variant Classification Scheme 2023. Collection method: clinical testing. Allele origin: germline.
Comment: The p.V487A variant (also known as c.1460T>C), located in coding exon 10 of the CDH1 gene, results from a T to C substitution at nucleotide position 1460. The valine at codon 487 is replaced by alanine, an amino acid with similar properties. This amino acid position is not well conserved in available vertebrate species. In addition, this alteration is predicted to be tolerated by in silico analysis. Since supporting evidence is limited at this time, the clinical significance of this alteration remains unclear.

Literature cited by the submitters: PubMed 10319582.

NM_004360.5(CDH1):c.1460T>C (p.Val487Ala)

Gene: CDH1 (cadherin 1; plus strand). Cytogenetic location: 16q22.1.
Variant type: single nucleotide variant.
Coding change: c.1460T>C on transcript NM_004360.5 (MANE Select); coding-DNA position 1460, T replaced by C.
Protein change: p.Val487Ala; replaces valine 487 with alanine.
Molecular consequence: missense variant. On other transcripts: 5 prime UTR variant (2).
Genome position (GRCh38, 1-based): chr16:68,815,654, T>C. VCF-style: chr16-68815654-T-C. GRCh37 (hg19) VCF-style: chr16-68849557-T-C.
Other names: c.1277T>C, p.Val426Ala (NM_001317184.2); c.-89T>C (NM_001317185.2); c.-360T>C (NM_001317186.2); short protein forms V426A, V487A.
Identifiers: ClinVar variation 2453333 (VCV002453333.2), dbSNP rs1960965342, ClinGen allele CA396463105.